The following is an entry in ClinVar:

ClinVar aggregate classification (germline): Uncertain significance. Review status: criteria provided, multiple submitters, no conflicts (2 of 4 stars). 3 submissions from 3 submitters: Uncertain significance (3). Last evaluated 2024-03-07.

Conditions:
Familial thoracic aortic aneurysm and aortic dissection (TAAD). Also called: Thoracic aortic aneurysms and dissections. Identifiers: Orphanet 91387, MedGen C4707243, MONDO:0019625.
Aortic aneurysm, familial thoracic 4 (AAT4). Also called: AORTIC ANEURYSM/AORTIC DISSECTION AND PATENT DUCTUS ARTERIOSUS. Identifiers: MedGen C1851504, MONDO:0007568, OMIM 132900.

Allele frequency attached by ClinVar (database versions not stated): gnomAD exomes below 0.00001 and 0.00001; ExAC 0.00001; TOPMed 0.00002; gnomAD 0.00003 and 0.00004; ESP Exome Variant Server 0.00015.
gnomAD v4.1: 9 of 1,613,780 alleles (0.00056%); highest among the groups gnomAD compares: African/African-American, 0.008%; no homozygotes.

Submissions (3):

Color Diagnostics, LLC DBA Color Health
Classification: Uncertain significance for Familial thoracic aortic aneurysm and aortic dissection. Last evaluated: 2024-03-07. Review status: criteria provided, single submitter. Criteria: ACMG Guidelines, 2015. Collection method: clinical testing. Allele origin: germline.
Comment: This missense variant replaces aspartic acid with glutamic acid at codon 1017 of the MYH11 protein. Computational prediction suggests that this variant may not impact protein structure and function (internally defined REVEL score threshold <= 0.5, PMID: 27666373). To our knowledge, functional studies have not been reported for this variant. This variant has not been reported in individuals affected with cardiovascular disorders in the literature. This variant has been identified in 2/251416 chromosomes in the general population by the Genome Aggregation Database (gnomAD). The available evidence is insufficient to determine the role of this variant in disease conclusively. Therefore, this variant is classified as a Variant of Uncertain Significance.

Ambry Genetics
Classification: Uncertain significance for Familial thoracic aortic aneurysm and aortic dissection. Last evaluated: 2021-11-09. Review status: criteria provided, single submitter. Criteria: Ambry Variant Classification Scheme 2023. Collection method: clinical testing. Allele origin: germline.
Comment: The p.D1010E variant (also known as c.3030C>G), located in coding exon 23 of the MYH11 gene, results from a C to G substitution at nucleotide position 3030. The aspartic acid at codon 1010 is replaced by glutamic acid, an amino acid with highly similar properties. This amino acid position is conserved. In addition, this alteration is predicted to be tolerated by in silico analysis. Since supporting evidence is limited at this time, the clinical significance of this alteration remains unclear.

Labcorp Genetics (formerly Invitae), Labcorp
Classification: Uncertain significance for Aortic aneurysm, familial thoracic 4. Last evaluated: 2021-09-17. Review status: criteria provided, single submitter. Criteria: Invitae Variant Classification Sherloc (09022015). Collection method: clinical testing. Allele origin: germline.
Comment: This sequence change replaces aspartic acid with glutamic acid at codon 1017 of the MYH11 protein (p.Asp1017Glu). The aspartic acid residue is highly conserved and there is a small physicochemical difference between aspartic acid and glutamic acid. This variant is present in population databases (rs374785690, ExAC 0.01%). This variant has not been reported in the literature in individuals affected with MYH11-related conditions. Algorithms developed to predict the effect of missense changes on protein structure and function are either unavailable or do not agree on the potential impact of this missense change (SIFT: "Tolerated"; PolyPhen-2: "Probably Damaging"; Align-GVGD: "Class C0"). In summary, the available evidence is currently insufficient to determine the role of this variant in disease. Therefore, it has been classified as a Variant of Uncertain Significance.

NM_002474.3(MYH11):c.3030C>G (p.Asp1010Glu)

Gene: MYH11 (myosin heavy chain 11; minus strand). Cytogenetic location: 16p13.11.
Variant type: single nucleotide variant.
Coding change: c.3030C>G on transcript NM_002474.3 (MANE Select); coding-DNA position 3030, C replaced by G.
Protein change: p.Asp1010Glu; replaces aspartic acid 1010 with glutamic acid.
Molecular consequence: missense variant.
Genome position (GRCh38, 1-based): chr16:15,738,656, G>C on the plus strand (C>G on the coding strand, the complement: MYH11 is on the minus strand). VCF-style: chr16-15738656-G-C. GRCh37 (hg19) VCF-style: chr16-15832513-G-C.
Other names: c.3051C>G, p.Asp1017Glu (NM_001040113.2, NM_001040114.2); c.3030C>G, p.Asp1010Glu (NM_022844.3); short protein forms D1010E, D1017E.
Identifiers: ClinVar variation 1331963 (VCV001331963.8), dbSNP rs374785690, ClinGen allele CA7922105.